The following is an entry in ClinVar:

ClinVar aggregate classification (germline): Uncertain significance. Review status: criteria provided, multiple submitters, no conflicts (2 of 4 stars). 6 submissions from 6 submitters: Uncertain significance (5). 1 of the submissions does not count toward it. Last evaluated 2025-04-18.

Conditions:
Inborn genetic diseases. Identifiers: MedGen C0950123, MeSH D030342.
Lysinuric protein intolerance (LPI). Identifiers: Orphanet 470, MedGen C0268647, MONDO:0009109, OMIM 222700.

Allele frequency attached by ClinVar (database versions not stated): gnomAD exomes 0.00002 and 0.00003; ExAC 0.00003; gnomAD 0.00005 and 0.00006; TOPMed 0.00009.

Submissions (6):

Labcorp Genetics (formerly Invitae), Labcorp
Classification: Uncertain significance for Lysinuric protein intolerance. Last evaluated: 2025-04-18. Review status: criteria provided, single submitter. Criteria: Invitae Variant Classification Sherloc (09022015). Collection method: clinical testing. Allele origin: germline.
Comment: This sequence change replaces arginine, which is basic and polar, with histidine, which is basic and polar, at codon 159 of the SLC7A7 protein (p.Arg159His). This variant is present in population databases (rs756297612, gnomAD 0.03%). This variant has not been reported in the literature in individuals affected with SLC7A7-related conditions. ClinVar contains an entry for this variant (Variation ID: 452817). An algorithm developed to predict the effect of missense changes on protein structure and function (PolyPhen-2) suggests that this variant is likely to be disruptive. In summary, the available evidence is currently insufficient to determine the role of this variant in disease. Therefore, it has been classified as a Variant of Uncertain Significance.

Blueprint Genetics
Classification: Uncertain significance. Last evaluated: 2024-08-27. Review status: criteria provided, single submitter. Criteria: ACMG Guidelines, 2015. Collection method: clinical testing. Allele origin: germline.

Fulgent Genetics
Classification: Uncertain significance for Lysinuric protein intolerance. Last evaluated: 2024-04-01. Review status: criteria provided, single submitter. Criteria: ACMG Guidelines, 2015. Collection method: clinical testing. Allele origin: germline.

Ambry Genetics
Classification: Uncertain significance for Inborn genetic diseases. Last evaluated: 2024-03-15. Review status: criteria provided, single submitter. Criteria: Ambry Variant Classification Scheme 2023. Collection method: clinical testing. Allele origin: germline.

GeneDx
Classification: Uncertain significance. Last evaluated: 2017-10-23. Review status: criteria provided, single submitter. Criteria: GeneDx Variant Classification (06012015). Collection method: clinical testing. Allele origin: germline. Affected: yes.
Comment: The R159H variant in the SLC7A7 gene has not been reported previously as a pathogenic variant, nor as a benign variant, to our knowledge. The R159H variant is observed in 6/23898 (0.025%) alleles from individuals of African background, in large population cohorts (Lek et al., 2016). The R159H variant is a conservative amino acid substitution, which is not likely to impact secondary protein structure as these residues share similar properties. This substitution occurs at a position that is conserved across species. In silico analysis predicts this variant is probably damaging to the protein structure/function. We interpret R159H as a variant of uncertain significance.

Natera, Inc.
Classification: Uncertain significance for Lysinuric protein intolerance. Last evaluated: 2019-11-11. Review status: no assertion criteria provided. Collection method: clinical testing. Allele origin: germline. Not counted in ClinVar's aggregate classification.

NM_003982.4(SLC7A7):c.476G>A (p.Arg159His)

Gene: SLC7A7 (solute carrier family 7 member 7; minus strand). Cytogenetic location: 14q11.2.
Variant type: single nucleotide variant.
Coding change: c.476G>A on transcript NM_003982.4 (MANE Select); coding-DNA position 476, G replaced by A.
Protein change: p.Arg159His; replaces arginine 159 with histidine.
Molecular consequence: missense variant.
Genome position (GRCh38, 1-based): chr14:22,812,923, C>T on the plus strand (G>A on the coding strand, the complement: SLC7A7 is on the minus strand). VCF-style: chr14-22812923-C-T. GRCh37 (hg19) VCF-style: chr14-23282132-C-T.
Other names: c.476G>A, p.Arg159His (NM_001126105.3, NM_001126106.4); short protein forms R159H.
Identifiers: ClinVar variation 452817 (VCV000452817.11), dbSNP rs756297612, ClinGen allele CA7104702.
Genomic context (GRCh38, chr14:22,812,923, plus strand): 5'-CCCTCCACCCACCACCTCCTACCCCAGCCCCACTTACAAATGCAGGCAGCAGCCAGCAGG[C>T]GGCTGGCAGCATAAGGGGCGAAGCAGCTCGGGAAGAGAGGCTGTACCATGTAGTTGGCAA-3'
Protein context (NP_003973.3, residues 149-169): PSCFAPYAAS[Arg159His]LLAAACICLL